The following is an entry in ClinVar:

ClinVar aggregate classification (germline): Benign/Likely benign. Review status: criteria provided, multiple submitters, no conflicts (2 of 4 stars). 3 submissions from 3 submitters: Benign (1); Likely benign (2). Last evaluated 2025-05-27.

Conditions:
Hereditary cancer-predisposing syndrome. Also called: Tumor predisposition; Neoplastic Syndromes, Hereditary; Hereditary Cancer Syndrome; Hereditary neoplastic syndrome. Identifiers: Orphanet 140162, MedGen C0027672, MeSH D009386, MONDO:0015356.
Pheochromocytoma/paraganglioma syndrome 3. Also called: GLOMUS TUMORS, FAMILIAL, 3; Paragangliomas 3; SDHC-Related Hereditary Paraganglioma-Pheochromocytoma Syndrome (Paragangliomas 3); SDHC-Related Hereditary Paraganglioma-Pheochromocytoma Syndrome. Identifiers: Orphanet 29072, MedGen C1854336, MONDO:0011544, OMIM 605373.
Gastrointestinal stromal tumor. Also called: Gastrointestinal stromal tumor, somatic; Gastrointestinal stroma tumor. Identifiers: Orphanet 44890, MedGen C0238198, MeSH D046152, MONDO:0011719, OMIM 606764, HP:0100723.

Allele frequency attached by ClinVar (database versions not stated): gnomAD exomes below 0.00001.
gnomAD v4.1: 2 of 1,613,326 alleles (0.00012%); highest among the groups gnomAD compares: African/African-American, 0.0027%; no homozygotes.

Submissions (3):

Labcorp Genetics (formerly Invitae), Labcorp
Classification: Likely benign for Pheochromocytoma/paraganglioma syndrome 3; Gastrointestinal stromal tumor. Last evaluated: 2025-05-27. Review status: criteria provided, single submitter. Criteria: Invitae Variant Classification Sherloc (09022015). Collection method: clinical testing. Allele origin: germline.

Myriad Genetics, Inc.
Classification: Benign for Pheochromocytoma/paraganglioma syndrome 3. Last evaluated: 2025-03-13. Review status: criteria provided, single submitter. Criteria: Myriad Autosomal Dominant, Autosomal Recessive and X-Linked Classification Criteria (2023). Collection method: clinical testing. Allele origin: unknown.
Comment: This variant is considered benign. This variant is a silent/synonymous amino acid change and it is not expected to impact splicing.

Ambry Genetics
Classification: Likely benign for Hereditary cancer-predisposing syndrome. Last evaluated: 2020-06-09. Review status: criteria provided, single submitter. Criteria: Ambry Variant Classification Scheme 2023. Collection method: clinical testing. Allele origin: germline.

NM_003001.5(SDHC):c.6T>G (p.Ala2=)

Gene: SDHC (succinate dehydrogenase complex subunit C; plus strand). Cytogenetic location: 1q23.3.
Variant type: single nucleotide variant.
Coding change: c.6T>G on transcript NM_003001.5 (MANE Select); coding-DNA position 6, T replaced by G.
Protein change: p.Ala2=; no amino-acid change (alanine 2 retained).
Molecular consequence: synonymous variant. On other transcripts: 5 prime UTR variant (2), non-coding transcript variant (1).
Genome position (GRCh38, 1-based): chr1:161,314,411, T>G. VCF-style: chr1-161314411-T-G. GRCh37 (hg19) VCF-style: chr1-161284201-T-G.
Other names: c.6T>G, p.Ala2= (NM_001035511.3, NM_001035512.3, NM_001035513.3 and 6 more transcripts); c.-555T>G (NM_001407119.1); c.-224T>G (NM_001407120.1).
Identifiers: ClinVar variation 1570436 (VCV001570436.22), dbSNP rs775353334, ClinGen allele CA421406256.